The following is an entry in ClinVar:

NM_005591.4(MRE11):c.1028T>C (p.Met343Thr)

Gene: MRE11 (MRE11 double strand break repair nuclease; minus strand). Cytogenetic location: 11q21.
Variant type: single nucleotide variant.
Coding change: c.1028T>C on transcript NM_005591.4 (MANE Select); coding-DNA position 1028, T replaced by C.
Protein change: p.Met343Thr; replaces methionine 343 with threonine.
Molecular consequence: missense variant.
Genome position (GRCh38, 1-based): chr11:94,467,883, A>G on the plus strand (T>C on the coding strand, the complement: MRE11 is on the minus strand). VCF-style: chr11-94467883-A-G. GRCh37 (hg19) VCF-style: chr11-94201049-A-G.
Other names: c.1028T>C, p.Met343Thr (NM_001330347.2, NM_005590.4); short protein forms M343T.
Identifiers: ClinVar variation 1799999 (VCV001799999.2), dbSNP rs2496461085, ClinGen allele CA382373900.

ClinVar aggregate classification (germline): Uncertain significance (1 of 4 stars; one submission).

Conditions:
Hereditary cancer-predisposing syndrome. Also called: Neoplastic Syndromes, Hereditary; Tumor predisposition; Hereditary Cancer Syndrome; Hereditary neoplastic syndrome. Identifiers: Orphanet 140162, MedGen C0027672, MeSH D009386, MONDO:0015356.

Submission:

Ambry Genetics
Classification: Uncertain significance for Hereditary cancer-predisposing syndrome. Last evaluated: 2022-01-26. Review status: criteria provided, single submitter. Criteria: Ambry Variant Classification Scheme 2023. Collection method: clinical testing. Allele origin: germline.
Comment: The p.M343T variant (also known as c.1028T>C), located in coding exon 9 of the MRE11A gene, results from a T to C substitution at nucleotide position 1028. The methionine at codon 343 is replaced by threonine, an amino acid with similar properties. This amino acid position is conserved. In addition, this alteration is predicted to be deleterious by in silico analysis. Since supporting evidence is limited at this time, the clinical significance of this alteration remains unclear.